The following is an entry in ClinVar:

NM_006059.4(LAMC3):c.521C>A (p.Pro174His)

Gene: LAMC3 (laminin subunit gamma 3; plus strand). Cytogenetic location: 9q34.12.
Variant type: single nucleotide variant.
Coding change: c.521C>A on transcript NM_006059.4 (MANE Select); coding-DNA position 521, C replaced by A.
Protein change: p.Pro174His; replaces proline 174 with histidine.
Molecular consequence: missense variant.
Genome position (GRCh38, 1-based): chr9:131,026,432, C>A. VCF-style: chr9-131026432-C-A. GRCh37 (hg19) VCF-style: chr9-133901819-C-A.
Other names: short protein forms P174H.
Identifiers: ClinVar variation 129470 (VCV000129470.19), dbSNP rs2275137, ClinGen allele CA153506.

ClinVar aggregate classification (germline): Benign. Review status: criteria provided, multiple submitters, no conflicts (2 of 4 stars). 7 submissions from 7 submitters: Benign (4). 3 of the submissions do not count toward it. Last evaluated 2026-02-03.

Conditions:
Occipital pachygyria and polymicrogyria. Identifiers: Orphanet 280640, MedGen C3279875, MONDO:0013583, OMIM 614115.

Allele frequency attached by ClinVar (database versions not stated): gnomAD exomes 0.21840 and 0.18929; 1000 Genomes Project 30x 0.32776; ExAC 0.22317; ESP Exome Variant Server 0.28402; gnomAD 0.28960 and 0.29468; TOPMed 0.31414; 1000 Genomes Project 0.32029.
gnomAD v4.1: 322,101 of 1,613,504 alleles (20%); highest among the groups gnomAD compares: African/African-American, 57%; 38,946 homozygotes.

Submissions (7):

Labcorp Genetics (formerly Invitae), Labcorp
Classification: Benign. Last evaluated: 2026-02-03. Review status: criteria provided, single submitter. Criteria: Invitae Variant Classification Sherloc (09022015). Collection method: clinical testing. Allele origin: germline.

Genome-Nilou Lab
Classification: Benign for Occipital pachygyria and polymicrogyria. Last evaluated: 2021-08-19. Review status: criteria provided, single submitter. Criteria: ACMG Guidelines, 2015. Collection method: clinical testing. Allele origin: germline. Affected: no.

GeneDx
Classification: Benign. Last evaluated: 2015-03-03. Review status: criteria provided, single submitter. Criteria: GeneDx Variant Classification Process June 2021. Collection method: clinical testing. Allele origin: germline. Affected: yes.

Breakthrough Genomics
Classification: Benign. Review status: criteria provided, single submitter. Criteria: ACMG Guidelines, 2015. Collection method: not provided. Allele origin: germline. Inheritance: Autosomal recessive inheritance. Affected: yes.

Clinical Genetics DNA and cytogenetics Diagnostics Lab, Erasmus MC, Erasmus Medical Center
Classification: Benign. Review status: no assertion criteria provided. Collection method: clinical testing. Allele origin: germline. Affected: yes. Study: VKGL Data-share Consensus. Not counted in ClinVar's aggregate classification.

Diagnostic Laboratory, Department of Genetics, University Medical Center Groningen
Classification: Benign for Occipital pachygyria and polymicrogyria. Review status: no assertion criteria provided. Collection method: clinical testing. Allele origin: germline. Affected: yes. Study: VKGL Data-share Consensus. Not counted in ClinVar's aggregate classification.

Genetic Services Laboratory, University of Chicago
Classification: Likely benign for AllHighlyPenetrant. Review status: no assertion criteria provided. Collection method: clinical testing. Allele origin: germline. Inheritance: X-linked inheritance. Not counted in ClinVar's aggregate classification.
Comment: Likely benign based on allele frequency in 1000 Genomes Project or ESP global frequency and its presence in a patient with a rare or unrelated disease phenotype. NOT Sanger confirmed.